The following is an entry in ClinVar:

NC_012920.1(MT-ND1):m.3308delinsAC

Gene: MT-ND1 (mitochondrially encoded NADH dehydrogenase 1; plus strand).
Variant type: Indel.
Genome position: chrM-3308-T-AC.
Identifiers: ClinVar variation 692329 (VCV000692329.1), dbSNP rs1603218887, ClinGen allele CA915952196.

ClinVar aggregate classification (germline): Uncertain significance (1 of 4 stars; one submission).

Conditions:
Leigh syndrome (NULS). Also called: Leigh's necrotizing encephalopathy; Leigh's disease; Leigh Syndrome (mtDNA deletion); Leigh Disease; Subacute necrotizing encephalopathy; Necrotizing encephalopathy infantile subacute of Leigh. Identifiers: Orphanet 506, MedGen C2931891, MONDO:0009723, OMIM 256000.

Submission:

Wong Mito Lab, Molecular and Human Genetics, Baylor College of Medicine
Classification: Uncertain significance for Leigh syndrome. Last evaluated: 2019-10-17. Review status: criteria provided, single submitter. Criteria: Modified ACMG Guidelines (Unpublished). Collection method: clinical testing. Allele origin: germline.
Comment: The NC_012920.1:m.3308delinsAC (YP_003024026.1:p.Met1?) variant in MTND1 gene is interpretated to be a Uncertain Significance variant based on the modified ACMG guidelines (unpublished). This variant meets the following evidence codes: PP7, BS4, BP5